The following is an entry in ClinVar:

NM_004530.6(MMP2):c.113C>T (p.Pro38Leu)

Gene: MMP2 (matrix metallopeptidase 2; plus strand). Cytogenetic location: 16q12.2.
Variant type: single nucleotide variant.
Coding change: c.113C>T on transcript NM_004530.6 (MANE Select); coding-DNA position 113, C replaced by T.
Protein change: p.Pro38Leu; replaces proline 38 with leucine.
Molecular consequence: missense variant. On other transcripts: intron variant (1).
Genome position (GRCh38, 1-based): chr16:55,479,592, C>T. VCF-style: chr16-55479592-C-T. GRCh37 (hg19) VCF-style: chr16-55513504-C-T.
Other names: c.-76+627C>T (NM_001302508.1); short protein forms P38L.
Identifiers: ClinVar variation 1910123 (VCV001910123.5), dbSNP rs1192301679, ClinGen allele CA395930621.

ClinVar aggregate classification (germline): Uncertain significance (1 of 4 stars; one submission).

Allele frequency attached by ClinVar (database versions not stated): gnomAD exomes 0.00001.
gnomAD v4.1: 10 of 1,613,750 alleles (0.00062%); highest among the groups gnomAD compares: Admixed American, 0.0033%; no homozygotes.

Submission:

Labcorp Genetics (formerly Invitae), Labcorp
Classification: Uncertain significance. Last evaluated: 2022-11-22. Review status: criteria provided, single submitter. Criteria: Invitae Variant Classification Sherloc (09022015). Collection method: clinical testing. Allele origin: germline.
Comment: In summary, the available evidence is currently insufficient to determine the role of this variant in disease. Therefore, it has been classified as a Variant of Uncertain Significance. Experimental studies are conflicting or provide insufficient evidence to determine the effect of this variant on MMP2 function (PMID: 33690170). Advanced modeling of protein sequence and biophysical properties (such as structural, functional, and spatial information, amino acid conservation, physicochemical variation, residue mobility, and thermodynamic stability) has been performed at Invitae for this missense variant, however the output from this modeling did not meet the statistical confidence thresholds required to predict the impact of this variant on MMP2 protein function. This variant has not been reported in the literature in individuals affected with MMP2-related conditions. This variant is present in population databases (no rsID available, gnomAD 0.003%). This sequence change replaces proline, which is neutral and non-polar, with leucine, which is neutral and non-polar, at codon 38 of the MMP2 protein (p.Pro38Leu).

Literature cited by the submitters: PubMed 33690170.